The following is an entry in ClinVar:

ClinVar aggregate classification (germline): Uncertain significance (1 of 4 stars; one submission).

Submission:

Ambry Genetics
Classification: Uncertain significance. Last evaluated: 2025-03-06. Review status: criteria provided, single submitter. Criteria: Ambry Variant Classification Scheme 2023. Collection method: clinical testing. Allele origin: germline.
Comment: The p.E1577D variant (also known as c.4731G>C), located in coding exon 19 of the WNK2 gene, results from a G to C substitution at nucleotide position 4731. The glutamic acid at codon 1577 is replaced by aspartic acid, an amino acid with highly similar properties. This amino acid position is conserved. In addition, this alteration is predicted to be tolerated by in silico analysis. Based on the available evidence, the clinical significance of this variant remains unclear.

NM_006648.4(WNK2):c.4731G>C (p.Glu1577Asp)

Gene: WNK2 (WNK lysine deficient protein kinase 2; plus strand). Cytogenetic location: 9q22.31.
Variant type: single nucleotide variant.
Coding change: c.4731G>C on transcript NM_006648.4 (MANE Select); coding-DNA position 4731, G replaced by C.
Protein change: p.Glu1577Asp; replaces glutamic acid 1577 with aspartic acid.
Molecular consequence: missense variant.
Genome position (GRCh38, 1-based): chr9:93,289,485, G>C. VCF-style: chr9-93289485-G-C. GRCh37 (hg19) VCF-style: chr9-96051767-G-C.
Other names: c.4842G>C, p.Glu1614Asp (NM_001282394.3); short protein forms E1614D, E1577D.
Identifiers: ClinVar variation 3817216 (VCV003817216.1).
Genomic context (GRCh38, chr9:93,289,485, plus strand): 5'-GACTCTGCTCTACCAGGAGCACGTGCCCACCTCCTCAGCCTCAGCTGGGACCCCTGTGGA[G>C]GTGGGCGACAGAGACTTCACCCTGGAGCCCCTGAGAGGGGACCAGCCCCGCTCAGAGGTC-3'
Protein context (NP_006639.3, residues 1567-1587): TSSASAGTPV[Glu1577Asp]VGDRDFTLEP